The following is an entry in ClinVar:

ClinVar aggregate classification (germline): Uncertain significance (1 of 4 stars; one submission).

Submission:

Labcorp Genetics (formerly Invitae), Labcorp
Classification: Uncertain significance. Last evaluated: 2025-03-09. Review status: criteria provided, single submitter. Criteria: Invitae Variant Classification Sherloc (09022015). Collection method: clinical testing. Allele origin: germline.
Comment: This sequence change replaces arginine, which is basic and polar, with tryptophan, which is neutral and slightly polar, at codon 832 of the COL7A1 protein (p.Arg832Trp). This variant is present in population databases (rs749206499, gnomAD 0.007%). This variant has not been reported in the literature in individuals affected with COL7A1-related conditions. Invitae Evidence Modeling of protein sequence and biophysical properties (such as structural, functional, and spatial information, amino acid conservation, physicochemical variation, residue mobility, and thermodynamic stability) indicates that this missense variant is not expected to disrupt COL7A1 protein function with a negative predictive value of 95%. In summary, the available evidence is currently insufficient to determine the role of this variant in disease. Therefore, it has been classified as a Variant of Uncertain Significance.

NM_000094.4(COL7A1):c.2494C>T (p.Arg832Trp)

Gene: COL7A1 (collagen type VII alpha 1 chain; minus strand). Cytogenetic location: 3p21.31.
Variant type: single nucleotide variant.
Coding change: c.2494C>T on transcript NM_000094.4 (MANE Select); coding-DNA position 2494, C replaced by T.
Protein change: p.Arg832Trp; replaces arginine 832 with tryptophan.
Molecular consequence: missense variant.
Genome position (GRCh38, 1-based): chr3:48,588,735, G>A on the plus strand (C>T on the coding strand, the complement: COL7A1 is on the minus strand). VCF-style: chr3-48588735-G-A. GRCh37 (hg19) VCF-style: chr3-48626168-G-A.
Other names: short protein forms R832W.
Identifiers: ClinVar variation 4755146 (VCV004755146.1).